The following is an entry in ClinVar:

NM_000487.6(ARSA):c.129_133del (p.His43fs)

Gene: ARSA (arylsulfatase A; minus strand). Cytogenetic location: 22q13.33.
Variant type: Deletion.
Coding change: c.129_133del on transcript NM_000487.6 (MANE Select); coding-DNA positions 129 to 133, 5 bases deleted (CCCCA; older notation c.129_133delCCCCA).
Protein change: p.His43fs; shifts the reading frame from histidine 43.
Molecular consequence: frameshift variant. On other transcripts: intron variant (2).
Genome position (GRCh38, 1-based): chr22:50,627,647-50,627,651, TGGGG deleted on the plus strand (CCCCA on the coding strand, the reverse complement: ARSA is on the minus strand); deleting any 5 consecutive bases within chr22:50,627,647-50,627,653 gives the same sequence; the c. name uses the placement nearest the transcript's 3' end. VCF-style (leftmost placement, unchanged base first): chr22-50627646-CTGGGG-C. GRCh37 (hg19) VCF-style: chr22-51066074-CTGGGG-C.
Other names: c.129_133del, p.His43fs (NM_001085425.3, NM_001085426.3, NM_001085427.3); c.-34-245_-34-241del (NM_001362782.2, NM_001085428.3); short protein forms H43fs.
Identifiers: ClinVar variation 2835350 (VCV002835350.3), dbSNP rs2518336823, ClinGen allele CA2739268047.

ClinVar aggregate classification (germline): Pathogenic (1 of 4 stars; one submission).

Conditions:
Metachromatic leukodystrophy (MLD). Also called: ARSA DEFICIENCY; CEREBROSIDE SULFATASE DEFICIENCY; METACHROMATIC LEUKOENCEPHALOPATHY; SULFATIDE LIPIDOSIS; Cerebral sclerosis diffuse metachromatic form; Arylsulfatase A Deficiency. Identifiers: Orphanet 512, MedGen C0023522, MONDO:0018868, OMIM 250100.

Submission:

Labcorp Genetics (formerly Invitae), Labcorp
Classification: Pathogenic for Metachromatic leukodystrophy. Last evaluated: 2023-02-08. Review status: criteria provided, single submitter. Criteria: Invitae Variant Classification Sherloc (09022015). Collection method: clinical testing. Allele origin: germline.
Comment: This sequence change creates a premature translational stop signal (p.His43Glnfs*31) in the ARSA gene. It is expected to result in an absent or disrupted protein product. Loss-of-function variants in ARSA are known to be pathogenic (PMID: 8962139, 10477432). This variant is not present in population databases (gnomAD no frequency). This variant has not been reported in the literature in individuals affected with ARSA-related conditions. For these reasons, this variant has been classified as Pathogenic.

Literature cited by the submitters: PubMed 8962139; PubMed 10477432.